The following is an entry in ClinVar:

NM_000160.5(GCGR):c.900_901del (p.Met301fs)

Gene: GCGR (glucagon receptor; plus strand). Cytogenetic location: 17q25.3.
Variant type: Deletion.
Coding change: c.900_901del on transcript NM_000160.5 (MANE Select); coding-DNA positions 900 to 901, 2 bases deleted (CA; older notation c.900_901delCA).
Protein change: p.Met301fs; shifts the reading frame from methionine 301.
Molecular consequence: frameshift variant.
Genome position (GRCh38, 1-based): chr17:81,812,204-81,812,205, CA deleted; deleting any 2 consecutive bases within chr17:81,812,203-81,812,205 gives the same sequence; the c. name uses the placement nearest the transcript's 3' end. VCF-style (leftmost placement, unchanged base first): chr17-81812202-AAC-A. GRCh37 (hg19) VCF-style: chr17-79770078-AAC-A.
Other names: c.900_901delCA (NM_000160.5); short protein forms M301fs.
Identifiers: ClinVar variation 4850645 (VCV004850645.1).
Genomic context (GRCh38, chr17:81,812,202, plus strand): 5'-TGGGGGCTGTGCCCCAGTATGTGAGTGGCCTGGCCTCGCAGGTGCTGGACCAGCAATGAC[AAC>A]ATGGGCTTCTGGTGGATCCTGCGGTTCCCCGTCTTCCTGGCCATCCTGGTGAGGAAATGA-3'

ClinVar aggregate classification (germline): Likely pathogenic (1 of 4 stars; one submission).

Conditions:
GCGR-related hyperglucagonemia. Also called: ALPHA-CELL HYPERPLASIA WITH GLUCAGONEMIA; Mahvash disease. Identifiers: Orphanet 438274, MedGen C4763635, MONDO:0018582, OMIM 619290.

Submission:

First Genomix Gene Laboratory, Genetic Diagnostics Department
Classification: Likely pathogenic for GCGR-related hyperglucagonemia. Last evaluated: 2025-07-29. Review status: criteria provided, single submitter. Criteria: ACMG Guidelines, 2015. Collection method: clinical testing. Allele origin: germline. Inheritance: Autosomal recessive inheritance. Affected: no. Observed: 1 variant allele.